The following is an entry in ClinVar:

NM_006015.6(ARID1A):c.589G>A (p.Gly197Arg)

Gene: ARID1A (AT-rich interaction domain 1A; plus strand). Cytogenetic location: 1p36.11.
Variant type: single nucleotide variant.
Coding change: c.589G>A on transcript NM_006015.6 (MANE Select); coding-DNA position 589, G replaced by A.
Protein change: p.Gly197Arg; replaces glycine 197 with arginine.
Molecular consequence: missense variant.
Genome position (GRCh38, 1-based): chr1:26,696,992, G>A. VCF-style: chr1-26696992-G-A. GRCh37 (hg19) VCF-style: chr1-27023483-G-A.
Other names: c.589G>A, p.Gly197Arg (NM_139135.4); short protein forms G197R.
Identifiers: ClinVar variation 4979136 (VCV004979136.1).

ClinVar aggregate classification (germline): Uncertain significance (1 of 4 stars; one submission).

Conditions:
ARID1A-related disorder. Also called: ARID1A-related condition.

Submission:

PreventionGenetics, part of Exact Sciences
Classification: Uncertain significance for ARID1A-related condition. Last evaluated: 2025-03-05. Review status: criteria provided, single submitter. Criteria: ACMG Guidelines, 2015. Collection method: clinical testing. Allele origin: germline.
Comment: The ARID1A c.589G>A variant is predicted to result in the amino acid substitution p.Gly197Arg. To our knowledge, this variant has not been reported in the literature or in a large population database (gnomAD), indicating this variant is rare. At this time, the clinical significance of this variant is uncertain due to the absence of conclusive functional and genetic evidence.